The following is an entry in ClinVar:

NM_020366.4(RPGRIP1):c.3617+1G>T

Gene: RPGRIP1 (RPGR interacting protein 1; plus strand). Cytogenetic location: 14q11.2.
Variant type: single nucleotide variant.
Coding change: c.3617+1G>T on transcript NM_020366.4 (MANE Select); the canonical splice donor site of the intron after coding-DNA position 3617, G replaced by T.
Molecular consequence: splice donor variant.
Genome position (GRCh38, 1-based): chr14:21,345,198, G>T. VCF-style: chr14-21345198-G-T. GRCh37 (hg19) VCF-style: chr14-21813357-G-T.
Other names: c.2543+1G>T (NM_001377948.1); c.1703+1G>T (NM_001377949.1); c.1595+1G>T (NM_001377523.1, NM_001377950.1); c.1100+1G>T (NM_001377951.1).
Identifiers: ClinVar variation 1436742 (VCV001436742.8), dbSNP rs771116776, ClinGen allele CA7089566.

ClinVar aggregate classification (germline): Pathogenic/Likely pathogenic. Review status: criteria provided, multiple submitters, no conflicts (2 of 4 stars). 2 submissions from 2 submitters: Pathogenic (1); Likely pathogenic (1). Last evaluated 2024-08-30.

Conditions:
Leber congenital amaurosis 6 (LCA6). Identifiers: Orphanet 65, MedGen C1854260, MONDO:0013446, OMIM 613826.
Cone-rod dystrophy 13 (CORD13). Identifiers: Orphanet 1872, MedGen C2750720, MONDO:0011987, OMIM 608194.
RPGRIP1-related disorder. Also called: RPGRIP1-related condition.

Allele frequency attached by ClinVar (database versions not stated): gnomAD exomes 0.00001; ExAC 0.00002.
gnomAD v4.1: 17 of 1,607,128 alleles (0.0011%); highest among the groups gnomAD compares: Non-Finnish European, 0.0014%; no homozygotes.

Submissions (3):

Labcorp Genetics (formerly Invitae), Labcorp
Classification: Pathogenic for Leber congenital amaurosis 6; Cone-rod dystrophy 13. Last evaluated: 2024-08-30. Review status: criteria provided, single submitter. Criteria: Invitae Variant Classification Sherloc (09022015). Collection method: clinical testing. Allele origin: germline.
Comment: This sequence change affects a donor splice site in intron 22 of the RPGRIP1 gene. It is expected to disrupt RNA splicing. Variants that disrupt the donor or acceptor splice site typically lead to a loss of protein function (PMID: 16199547), and loss-of-function variants in RPGRIP1 are known to be pathogenic (PMID: 11528500, 23105016). This variant is present in population databases (rs771116776, gnomAD 0.002%). Disruption of this splice site has been observed in individual(s) with Leber congenital amaurosis (PMID: 26047050). In at least one individual the data is consistent with being in trans (on the opposite chromosome) from a pathogenic variant. ClinVar contains an entry for this variant (Variation ID: 1436742). Algorithms developed to predict the effect of sequence changes on RNA splicing suggest that this variant may disrupt the consensus splice site. For these reasons, this variant has been classified as Pathogenic.

Blueprint Genetics
Classification: Likely pathogenic for RPGRIP1-related disorders. Last evaluated: 2024-01-10. Review status: criteria provided, single submitter. Criteria: ACMG Guidelines, 2015. Collection method: clinical testing. Allele origin: germline. Affected: yes. Observed: 2 variant alleles.

Dr. Peter K. Rogan Lab, Western University
No classification provided (evidence only). Condition: Lung cancer. Review status: no classification provided. Collection method: in vitro. Allele origin: not applicable. Functional consequence: retained intron. Not counted in ClinVar's aggregate classification.

Literature cited by the submitters: PubMed 16199547 (cited by Labcorp Genetics (formerly Invitae), Labcorp); PubMed 11528500 (cited by Labcorp Genetics (formerly Invitae), Labcorp); PubMed 23105016 (cited by Labcorp Genetics (formerly Invitae), Labcorp); PubMed 26047050 (cited by Labcorp Genetics (formerly Invitae), Labcorp).